The following is an entry in ClinVar:

ClinVar aggregate classification (germline): Conflicting classifications of pathogenicity. Review status: criteria provided, conflicting classifications (1 of 4 stars). 2 submissions from 2 submitters: Uncertain significance (1); Likely benign (1). Last evaluated 2026-04-30.

Conditions:
Inborn genetic diseases. Identifiers: MedGen C0950123, MeSH D030342.

Allele frequency attached by ClinVar (database versions not stated): TOPMed below 0.00001; gnomAD 0.00001; gnomAD exomes 0.00001.
gnomAD v4.1: 15 of 1,579,432 alleles (0.00095%); highest among the groups gnomAD compares: Non-Finnish European, 0.0013%; no homozygotes.

Submissions (2):

Women's Health and Genetics/Laboratory Corporation of America, LabCorp
Classification: Likely benign. Last evaluated: 2026-04-30. Review status: criteria provided, single submitter. Criteria: LabCorp Variant Classification Summary - May 2015. Collection method: clinical testing. Allele origin: germline.
Comment: Variant summary: MED13 c.55C>G (p.Leu19Val) results in a conservative amino acid change located in the N-terminal domain (IPR021643) of the encoded protein sequence. Algorithms developed to predict the effect of missense changes on protein structure and function are either unavailable or do not agree on the potential impact of this missense change. The variant allele was found at a frequency of 9.5e-06 in 1572496 control chromosomes, predominantly at a frequency of 1.3e-05 within the Non-Finnish European subpopulation in the gnomAD database. The occurrence in several carriers suggests that this variant is likely not associated with a high penetrance, severe, early onset disease phenotype in heterozygous state. To our knowledge, no occurrence of c.55C>G in individuals affected with MED13-related conditions and no experimental evidence demonstrating its impact on protein function have been reported. ClinVar contains an entry for this variant (Variation ID: 2347617). Based on the evidence outlined above, the variant was classified as likely benign.

Ambry Genetics
Classification: Uncertain significance for Inborn genetic diseases. Last evaluated: 2022-08-12. Review status: criteria provided, single submitter. Criteria: Ambry Variant Classification Scheme 2023. Collection method: clinical testing. Allele origin: germline.

NM_005121.3(MED13):c.55C>G (p.Leu19Val)

Genes: MED13 (mediator complex subunit 13; minus strand), LOC130061364 (ATAC-STARR-seq lymphoblastoid silent region 8803; plus strand). Cytogenetic location: 17q23.2.
Variant type: single nucleotide variant.
Coding change: c.55C>G on transcript NM_005121.3 (MANE Select); coding-DNA position 55, C replaced by G.
Protein change: p.Leu19Val; replaces leucine 19 with valine.
Molecular consequence: missense variant.
Genome position (GRCh38, 1-based): chr17:62,065,151, G>C on the plus strand (C>G on the coding strand, the complement: MED13 is on the minus strand). VCF-style: chr17-62065151-G-C. GRCh37 (hg19) VCF-style: chr17-60142512-G-C.
Other names: short protein forms L19V.
Identifiers: ClinVar variation 2347617 (VCV002347617.3), dbSNP rs2081071643, ClinGen allele CA400787759.